The following is an entry in ClinVar:

NM_002317.7(LOX):c.425C>G (p.Ala142Gly)

Genes: LOX (lysyl oxidase; minus strand), SRFBP1 (serum response factor binding protein 1; plus strand). Cytogenetic location: 5q23.1.
Variant type: single nucleotide variant.
Coding change: c.425C>G on transcript NM_002317.7 (MANE Select); coding-DNA position 425, C replaced by G.
Protein change: p.Ala142Gly; replaces alanine 142 with glycine.
Molecular consequence: missense variant.
Genome position (GRCh38, 1-based): chr5:122,077,561, G>C on the plus strand (C>G on the coding strand, the complement: LOX is on the minus strand). VCF-style: chr5-122077561-G-C. GRCh37 (hg19) VCF-style: chr5-121413256-G-C.
Other names: short protein forms A142G.
Identifiers: ClinVar variation 3222074 (VCV003222074.1), dbSNP rs2532916905, ClinGen allele CA360876297.

ClinVar aggregate classification (germline): Uncertain significance (1 of 4 stars; one submission).

Conditions:
Cardiovascular phenotype. Identifiers: MedGen CN230736.

Submission:

Ambry Genetics
Classification: Uncertain significance for Cardiovascular phenotype. Last evaluated: 2024-01-13. Review status: criteria provided, single submitter. Criteria: Ambry Variant Classification Scheme 2023. Collection method: clinical testing. Allele origin: germline.
Comment: The p.A142G variant (also known as c.425C>G), located in coding exon 1 of the LOX gene, results from a C to G substitution at nucleotide position 425. The alanine at codon 142 is replaced by glycine, an amino acid with similar properties. This amino acid position is conserved. In addition, this alteration is predicted to be tolerated by in silico analysis. Since supporting evidence is limited at this time, the clinical significance of this alteration remains unclear.